The following is an entry in ClinVar:

NM_080680.3(COL11A2):c.2533C>T (p.Pro845Ser)

Gene: COL11A2 (collagen type XI alpha 2 chain; minus strand). Cytogenetic location: 6p21.32.
Variant type: single nucleotide variant.
Coding change: c.2533C>T on transcript NM_080680.3 (MANE Select); coding-DNA position 2533, C replaced by T.
Protein change: p.Pro845Ser; replaces proline 845 with serine.
Molecular consequence: missense variant.
Genome position (GRCh38, 1-based): chr6:33,173,923, G>A on the plus strand (C>T on the coding strand, the complement: COL11A2 is on the minus strand). VCF-style: chr6-33173923-G-A. GRCh37 (hg19) VCF-style: chr6-33141700-G-A.
Other names: c.2212C>T, p.Pro738Ser (NM_080679.3); c.2275C>T, p.Pro759Ser (NM_080681.3); c.2533C>T (NM_080680.2); short protein forms P738S, P759S, P845S.
Identifiers: ClinVar variation 1438058 (VCV001438058.10), dbSNP rs200993927, ClinGen allele CA3750851.
Genomic context (GRCh38, chr6:33,173,923, plus strand): 5'-GACCATTCACCTTAGCTCCAGACTTCCCAGTGGCACCTCGGGGTCCCCGCTGACCCCGTG[G>A]ACCCTACAGAGGGAAGAGGAGTTGTCAGAGAAACCCAAATGCCCCCCTCTGGACCTTGAG-3'
Protein context (NP_542411.2, residues 835-855): GPRGERGPTG[Pro845Ser]RGQRGPRGAT

ClinVar aggregate classification (germline): Conflicting classifications of pathogenicity. Review status: criteria provided, conflicting classifications (1 of 4 stars). 4 submissions from 4 submitters: Uncertain significance (3); Likely benign (1). Last evaluated 2026-01-18.

Conditions:
Inborn genetic diseases. Identifiers: MedGen C0950123, MeSH D030342.

Allele frequency attached by ClinVar (database versions not stated): gnomAD exomes 0.00003 and 0.00006; TOPMed 0.00003; ExAC 0.00005; ESP Exome Variant Server 0.00008; gnomAD 0.00011.
gnomAD v4.1: 65 of 1,613,948 alleles (0.004%); highest among the groups gnomAD compares: Non-Finnish European, 0.0031%; no homozygotes.

Submissions (4):

Labcorp Genetics (formerly Invitae), Labcorp
Classification: Likely benign. Last evaluated: 2026-01-18. Review status: criteria provided, single submitter. Criteria: Invitae Variant Classification Sherloc (09022015). Collection method: clinical testing. Allele origin: germline.

Ambry Genetics
Classification: Uncertain significance for Inborn genetic diseases. Last evaluated: 2025-12-15. Review status: criteria provided, single submitter. Criteria: Ambry Variant Classification Scheme 2023. Collection method: clinical testing. Allele origin: germline.

GeneDx
Classification: Uncertain significance. Last evaluated: 2024-12-16. Review status: criteria provided, single submitter. Criteria: GeneDx Variant Classification Process June 2021. Collection method: clinical testing. Allele origin: germline.
Comment: Has not been previously published as pathogenic or benign to our knowledge; In silico analysis supports that this missense variant has a deleterious effect on protein structure/function

Blueprint Genetics
Classification: Uncertain significance. Last evaluated: 2024-11-06. Review status: criteria provided, single submitter. Criteria: ACMG Guidelines, 2015. Collection method: clinical testing. Allele origin: germline.